The following is an entry in ClinVar:

NM_001004749.2(OR51A7):c.921T>A (p.Leu307=)

Genes: MMP26 (matrix metallopeptidase 26; plus strand), OR51A7 (olfactory receptor family 51 subfamily A member 7; plus strand). Cytogenetic location: 11p15.4.
Variant type: single nucleotide variant.
Coding change: c.921T>A on transcript NM_001004749.2 (MANE Select); coding-DNA position 921, T replaced by A.
Protein change: p.Leu307=; no amino-acid change (leucine 307 retained).
Molecular consequence: synonymous variant. On other transcripts: intron variant (2).
Genome position (GRCh38, 1-based): chr11:4,908,290, T>A. VCF-style: chr11-4908290-T-A. GRCh37 (hg19) VCF-style: chr11-4929520-T-A.
Other names: c.-144-79778T>A (NM_021801.5); c.-152-79980T>A (NM_001384608.1).
Identifiers: ClinVar variation 4085021 (VCV004085021.8).

ClinVar aggregate classification (germline): Likely benign (1 of 4 stars; one submission).

Submission:

CeGaT Center for Human Genetics Tuebingen
Classification: Likely benign. Last evaluated: 2025-08-01. Review status: criteria provided, single submitter. Criteria: CeGaT Center For Human Genetics Tuebingen Variant Classification Criteria Version 2. Collection method: clinical testing. Allele origin: germline. Affected: yes. Observed: 1 variant allele.
Comment: OR51A7: PM2:Supporting, BP4, BP7